The following is an entry in ClinVar:

ClinVar aggregate classification (germline): Benign. Review status: criteria provided, multiple submitters, no conflicts (2 of 4 stars). 3 submissions from 3 submitters: Benign (2). 1 of the submissions does not count toward it. Last evaluated 2022-03-24.

Allele frequency attached by ClinVar (database versions not stated): ESP Exome Variant Server 0.06289; gnomAD 0.06334 and 0.06307; 1000 Genomes Project 0.08007; gnomAD exomes 0.05165 and 0.05050; 1000 Genomes Project 30x 0.08354; TOPMed 0.06432; ExAC 0.05262.

Submissions (3):

Mayo Clinic Laboratories, Mayo Clinic
Classification: Benign. Last evaluated: 2022-03-24. Review status: criteria provided, single submitter. Criteria: ACMG Guidelines, 2015. Collection method: clinical testing. Allele origin: germline. Observed: 50 variant alleles.

Breakthrough Genomics
Classification: Benign. Review status: criteria provided, single submitter. Criteria: ACMG Guidelines, 2015. Collection method: not provided. Allele origin: germline. Inheritance: Autosomal recessive inheritance. Affected: yes.

Genetic Services Laboratory, University of Chicago
Classification: Likely benign for AllHighlyPenetrant. Review status: no assertion criteria provided. Collection method: clinical testing. Allele origin: germline. Inheritance: Autosomal recessive inheritance. Not counted in ClinVar's aggregate classification.
Comment: Likely benign based on allele frequency in 1000 Genomes Project or ESP global frequency and its presence in a patient with a rare or unrelated disease phenotype. NOT Sanger confirmed.

NM_018294.6(CWF19L1):c.776C>T (p.Pro259Leu)

Gene: CWF19L1 (CWF19 like cell cycle control factor 1; minus strand). Cytogenetic location: 10q24.31.
Variant type: single nucleotide variant.
Coding change: c.776C>T on transcript NM_018294.6 (MANE Select); coding-DNA position 776, C replaced by T.
Protein change: p.Pro259Leu; replaces proline 259 with leucine.
Molecular consequence: missense variant.
Genome position (GRCh38, 1-based): chr10:100,246,868, G>A on the plus strand (C>T on the coding strand, the complement: CWF19L1 is on the minus strand). VCF-style: chr10-100246868-G-A. GRCh37 (hg19) VCF-style: chr10-102006625-G-A.
Other names: c.776C>T, p.Pro259Leu (NM_001303404.2); c.365C>T, p.Pro122Leu (NM_001303405.2, NM_001303406.2); c.41C>T, p.Pro14Leu (NM_001303407.2); short protein forms P259L, P122L, P14L.
Identifiers: ClinVar variation 128881 (VCV000128881.8), dbSNP rs7073610, ClinGen allele CA152543.
Genomic context (GRCh38, chr10:100,246,868, plus strand): 5'-ATTTGCTTTCCTATGGATGCTTCCTGCCCAGATTTTCTGTAAGGGTTTTCAGTGACATCC[G>A]GAGGCTGTTTTACCAGTTCTGCTGCATCCATTAGCTTCATGGGAACAATACTGAACGCGT-3'
Protein context (NP_060764.3, residues 249-269): MDAAELVKQP[Pro259Leu]DVTENPYRKS